The following is an entry in ClinVar:

ClinVar aggregate classification (germline): Likely benign. Review status: criteria provided, multiple submitters, no conflicts (2 of 4 stars). 4 submissions from 4 submitters: Likely benign (3). 1 of the submissions does not count toward it. Last evaluated 2024-10-25.

Conditions:
SETD1B-related disorder. Also called: SETD1B-related condition.
Inborn genetic diseases. Identifiers: MedGen C0950123, MeSH D030342.

Allele frequency attached by ClinVar (database versions not stated): ExAC 0.00021; 1000 Genomes Project 30x 0.00031; gnomAD exomes 0.00078; ESP Exome Variant Server 0.00088.
gnomAD v4.1: 1,117 of 1,548,526 alleles (0.072%); highest among the groups gnomAD compares: Non-Finnish European, 0.094%; 2 homozygotes.

Submissions (4):

Blueprint Genetics
Classification: Likely benign. Last evaluated: 2024-10-25. Review status: criteria provided, single submitter. Criteria: ACMG Guidelines, 2015. Collection method: clinical testing. Allele origin: germline.

CeGaT Center for Human Genetics Tuebingen
Classification: Likely benign. Last evaluated: 2023-04-01. Review status: criteria provided, single submitter. Criteria: CeGaT Center For Human Genetics Tuebingen Variant Classification Criteria Version 2. Collection method: clinical testing. Allele origin: germline. Affected: yes. Observed: 2 variant alleles.
Comment: SETD1B: PP2, BS1

Ambry Genetics
Classification: Likely benign for Inborn genetic diseases. Last evaluated: 2021-04-17. Review status: criteria provided, single submitter. Criteria: Ambry Variant Classification Scheme 2023. Collection method: clinical testing. Allele origin: germline.

PreventionGenetics, part of Exact Sciences
Classification: Likely benign for SETD1B-related condition. Last evaluated: 2024-09-27. Review status: no assertion criteria provided. Collection method: clinical testing. Allele origin: germline. Not counted in ClinVar's aggregate classification.
Comment: This variant is classified as likely benign based on ACMG/AMP sequence variant interpretation guidelines (Richards et al. 2015 PMID: 25741868, with internal and published modifications).

NM_001353345.2(SETD1B):c.1654C>T (p.Pro552Ser)

Gene: SETD1B (SET domain containing 1B, histone lysine methyltransferase; plus strand). Cytogenetic location: 12q24.31.
Variant type: single nucleotide variant.
Coding change: c.1654C>T on transcript NM_001353345.2 (MANE Select); coding-DNA position 1654, C replaced by T.
Protein change: p.Pro552Ser; replaces proline 552 with serine.
Molecular consequence: missense variant.
Genome position (GRCh38, 1-based): chr12:121,810,599, C>T. VCF-style: chr12-121810599-C-T. GRCh37 (hg19) VCF-style: chr12-122248505-C-T.
Other names: NM_015048.1:c.1654C>T; short protein forms P552S.
Identifiers: ClinVar variation 2351579 (VCV002351579.28), dbSNP rs376158054, ClinGen allele CA6838888.